The following is an entry in ClinVar:

NM_002890.3(RASA1):c.851T>C (p.Val284Ala)

Genes: CCNH (cyclin H; minus strand), RASA1 (RAS p21 protein activator 1; plus strand). Cytogenetic location: 5q14.3.
Variant type: single nucleotide variant.
Coding change: c.851T>C on transcript NM_002890.3 (MANE Select); coding-DNA position 851, T replaced by C.
Protein change: p.Val284Ala; replaces valine 284 with alanine.
Molecular consequence: missense variant. On other transcripts: intron variant (1).
Genome position (GRCh38, 1-based): chr5:87,333,289, T>C. VCF-style: chr5-87333289-T-C. GRCh37 (hg19) VCF-style: chr5-86629106-T-C.
Other names: c.320T>C, p.Val107Ala (NM_022650.3); c.934-20494A>G (NM_001364075.2); short protein forms V107A, V284A.
Identifiers: ClinVar variation 4825480 (VCV004825480.1).

ClinVar aggregate classification (germline): Uncertain significance (1 of 4 stars; one submission).

Conditions:
Cardiovascular phenotype. Identifiers: MedGen CN230736.

Submission:

Ambry Genetics
Classification: Uncertain significance for Cardiovascular phenotype. Last evaluated: 2026-02-19. Review status: criteria provided, single submitter. Criteria: Ambry Variant Classification Scheme 2023. Collection method: clinical testing. Allele origin: germline.
Comment: The p.V284A variant (also known as c.851T>C), located in coding exon 4 of the RASA1 gene, results from a T to C substitution at nucleotide position 851. The valine at codon 284 is replaced by alanine, an amino acid with similar properties. This amino acid position is conserved. In addition, this alteration is predicted to be tolerated by in silico analysis. Based on the available evidence, the clinical significance of this variant remains unclear.